The following is an entry in ClinVar:

ClinVar aggregate classification (germline): Uncertain significance (1 of 4 stars; one submission).

Conditions:
HNF1A-related disorder. Also called: HNF1A-related condition.

Submission:

PreventionGenetics, part of Exact Sciences
Classification: Uncertain significance for HNF1A-related condition. Last evaluated: 2024-11-12. Review status: criteria provided, single submitter. Criteria: ACMG Guidelines, 2015. Collection method: clinical testing. Allele origin: germline.
Comment: The HNF1A c.526+3A>C variant is predicted to interfere with splicing. To our knowledge, this variant has not been reported in the literature or in a large population database (gnomAD), indicating this variant is rare. Although we suspect that this variant may be pathogenic, at this time, the clinical significance of this variant is uncertain due to the absence of conclusive functional and genetic evidence.

NM_000545.8(HNF1A):c.526+3A>C

Gene: HNF1A (HNF1 homeobox A; plus strand). Cytogenetic location: 12q24.31.
Variant type: single nucleotide variant.
Coding change: c.526+3A>C on transcript NM_000545.8 (MANE Select); 3 bases into the intron after coding-DNA position 526, A replaced by C.
Molecular consequence: intron variant.
Genome position (GRCh38, 1-based): chr12:120,989,035, A>C. VCF-style: chr12-120989035-A-C. GRCh37 (hg19) VCF-style: chr12-121426838-A-C.
Other names: c.526+3A>C (NM_001306179.2, NM_001406915.1).
Identifiers: ClinVar variation 4998836 (VCV004998836.1).